The following is an entry in ClinVar:

ClinVar aggregate classification (germline): Uncertain significance (1 of 4 stars; one submission).

Allele frequency attached by ClinVar (database versions not stated): gnomAD exomes below 0.00001; ExAC 0.00001.
gnomAD v4.1: 1 of 1,613,984 alleles (0.000062%); highest among the groups gnomAD compares: East Asian, 0.0022%; no homozygotes.

Submission:

Labcorp Genetics (formerly Invitae), Labcorp
Classification: Uncertain significance. Last evaluated: 2025-02-02. Review status: criteria provided, single submitter. Criteria: Invitae Variant Classification Sherloc (09022015). Collection method: clinical testing. Allele origin: germline.
Comment: This sequence change replaces serine, which is neutral and polar, with cysteine, which is neutral and slightly polar, at codon 715 of the PCLO protein (p.Ser715Cys). This variant is present in population databases (rs752257426, gnomAD 0.006%). This variant has not been reported in the literature in individuals affected with PCLO-related conditions. ClinVar contains an entry for this variant (Variation ID: 2128553). Experimental studies and prediction algorithms are not available or were not evaluated, and the functional significance of this variant is currently unknown. In summary, the available evidence is currently insufficient to determine the role of this variant in disease. Therefore, it has been classified as a Variant of Uncertain Significance.

NM_033026.6(PCLO):c.2144C>G (p.Ser715Cys)

Gene: PCLO (piccolo presynaptic cytomatrix protein; minus strand). Cytogenetic location: 7q21.11.
Variant type: single nucleotide variant.
Coding change: c.2144C>G on transcript NM_033026.6 (MANE Select); coding-DNA position 2144, C replaced by G.
Protein change: p.Ser715Cys; replaces serine 715 with cysteine.
Molecular consequence: missense variant.
Genome position (GRCh38, 1-based): chr7:83,135,406, G>C on the plus strand (C>G on the coding strand, the complement: PCLO is on the minus strand). VCF-style: chr7-83135406-G-C. GRCh37 (hg19) VCF-style: chr7-82764722-G-C.
Other names: c.2144C>G, p.Ser715Cys (NM_014510.3); short protein forms S715C.
Identifiers: ClinVar variation 2128553 (VCV002128553.4), dbSNP rs752257426, ClinGen allele CA4321309.
Genomic context (GRCh38, chr7:83,135,406, plus strand): 5'-GGAGGGGCTGGCTTGGACAAAGAATCTGCCTCAGGGGGCTGCTTGGCCTTGGCTGAAGGA[G>C]AGCCATGAAGGGTTGGTTGTTTCACTAGTGGTGGTGGCTTTTTAGGCTCAGGTGCCTTGG-3'
Protein context (NP_149015.2, residues 705-725): PLVKQPTLHG[Ser715Cys]PSAKAKQPPE